The following is an entry in ClinVar:

NM_015629.4(PRPF31):c.91dup (p.Ala31fs)

Gene: PRPF31 (pre-mRNA processing factor 31; plus strand). Cytogenetic location: 19q13.42.
Variant type: Duplication.
Coding change: c.91dup on transcript NM_015629.4 (MANE Select); coding-DNA position 91, one base duplicated (G; older notation c.91dupG).
Protein change: p.Ala31fs; shifts the reading frame from alanine 31.
Molecular consequence: frameshift variant.
Genome position (GRCh38, 1-based): chr19:54,118,369, G duplicated. VCF-style (leftmost placement, unchanged base first): chr19-54118368-A-AG. GRCh37 (hg19) VCF-style: chr19-54621748-A-AG.
Other names: short protein forms A31fs.
Identifiers: ClinVar variation 3717782 (VCV003717782.2).

ClinVar aggregate classification (germline): Pathogenic (1 of 4 stars; one submission).

Submission:

Labcorp Genetics (formerly Invitae), Labcorp
Classification: Pathogenic. Last evaluated: 2024-09-17. Review status: criteria provided, single submitter. Criteria: Invitae Variant Classification Sherloc (09022015). Collection method: clinical testing. Allele origin: germline.
Comment: This sequence change creates a premature translational stop signal (p.Ala31Glyfs*27) in the PRPF31 gene. It is expected to result in an absent or disrupted protein product. Loss-of-function variants in PRPF31 are known to be pathogenic (PMID: 18317597, 23950152). This variant is not present in population databases (gnomAD no frequency). This variant has not been reported in the literature in individuals affected with PRPF31-related conditions. For these reasons, this variant has been classified as Pathogenic.

Literature cited by the submitters: PubMed 18317597; PubMed 23950152.